The following is an entry in ClinVar:

NM_194248.3(OTOF):c.4401C>T (p.Asp1467=)

Gene: OTOF (otoferlin; minus strand). Cytogenetic location: 2p23.3.
Variant type: single nucleotide variant.
Coding change: c.4401C>T on transcript NM_194248.3 (MANE Select); coding-DNA position 4401, C replaced by T.
Protein change: p.Asp1467=; no amino-acid change (aspartic acid 1467 retained).
Molecular consequence: synonymous variant.
Genome position (GRCh38, 1-based): chr2:26,466,813, G>A on the plus strand (C>T on the coding strand, the complement: OTOF is on the minus strand). VCF-style: chr2-26466813-G-A. GRCh37 (hg19) VCF-style: chr2-26689681-G-A.
Other names: c.4401C>T, p.Asp1467= (NM_001287489.2); c.2100C>T, p.Asp700= (NM_004802.4, NM_194323.3); c.2331C>T, p.Asp777= (NM_194322.3).
Identifiers: ClinVar variation 227756 (VCV000227756.16), dbSNP rs138500783, ClinGen allele CA1563178.

ClinVar aggregate classification (germline): Likely benign. Review status: criteria provided, multiple submitters, no conflicts (2 of 4 stars). 3 submissions from 3 submitters: Likely benign (3). Last evaluated 2026-01-21.

Allele frequency attached by ClinVar (database versions not stated): TOPMed 0.00014; ESP Exome Variant Server 0.00015.
gnomAD v4.1: 216 of 1,614,214 alleles (0.013%); highest among the groups gnomAD compares: Admixed American, 0.05%; no homozygotes.

Submissions (3):

Labcorp Genetics (formerly Invitae), Labcorp
Classification: Likely benign. Last evaluated: 2026-01-21. Review status: criteria provided, single submitter. Criteria: Invitae Variant Classification Sherloc (09022015). Collection method: clinical testing. Allele origin: germline.

GeneDx
Classification: Likely benign. Last evaluated: 2020-08-11. Review status: criteria provided, single submitter. Criteria: GeneDx Variant Classification Process June 2021. Collection method: clinical testing. Allele origin: germline. Affected: yes.

Laboratory for Molecular Medicine, Mass General Brigham Personalized Medicine
Classification: Likely benign. Last evaluated: 2012-04-30. Review status: criteria provided, single submitter. Criteria: LMM Criteria. Collection method: clinical testing. Allele origin: germline. Observed: 1 variant allele.
Comment: Asp1467Asp in Exon 36 of OTOF: This variant is not expected to have clinical sig nificance because it does not alter an amino acid residue, is not located within the splice consensus sequence, and has been identified in 2/7020 European Ameri can chromosomes from a broad population by the NHLBI Exome Sequencing Project (dbSNP rs138500783).